The following is an entry in ClinVar:

NM_001099402.2(CCNK):c.469G>C (p.Val157Leu)

Genes: CCNK (cyclin K; plus strand), CCDC85C (coiled-coil domain containing 85C; minus strand). Cytogenetic location: 14q32.2.
Variant type: single nucleotide variant.
Coding change: c.469G>C on transcript NM_001099402.2 (MANE Select); coding-DNA position 469, G replaced by C.
Protein change: p.Val157Leu; replaces valine 157 with leucine.
Molecular consequence: missense variant. On other transcripts: 3 prime UTR variant (1).
Genome position (GRCh38, 1-based): chr14:99,500,823, G>C. VCF-style: chr14-99500823-G-C. GRCh37 (hg19) VCF-style: chr14-99967160-G-C.
Other names: c.*14423C>G (NM_001144995.2); short protein forms V157L.
Identifiers: ClinVar variation 4525710 (VCV004525710.1).

ClinVar aggregate classification (germline): Uncertain significance (1 of 4 stars; one submission).

Submission:

Women's Health and Genetics/Laboratory Corporation of America, LabCorp
Classification: Uncertain significance. Last evaluated: 2025-07-22. Review status: criteria provided, single submitter. Criteria: LabCorp Variant Classification Summary - May 2015. Collection method: clinical testing. Allele origin: germline.
Comment: Variant summary: CCNK c.469G>C (p.Val157Leu) results in a conservative amino acid change in the encoded protein sequence. Algorithms developed to predict the effect of missense changes on protein structure and function are either unavailable or do not agree on the potential impact of this missense change. The variant was absent in 162368 control chromosomes. The available data on variant occurrences in the general population are insufficient to allow any conclusion about variant significance. To our knowledge, no occurrence of c.469G>C in individuals affected with Intellectual Developmental Disorder With Hypertelorism And Distinctive Facies and no experimental evidence demonstrating its impact on protein function have been reported. No submitters have cited clinical-significance assessments for this variant to ClinVar. Based on the evidence outlined above, the variant was classified as uncertain significance.